The following is an entry in ClinVar:

ClinVar aggregate classification (germline): Pathogenic (1 of 4 stars; one submission).

Conditions:
Congenital muscular dystrophy due to integrin alpha-7 deficiency. Also called: MYOPATHY, CONGENITAL, DUE TO INTEGRIN ALPHA-7 DEFICIENCY; Congenital muscular dystrophy with integrin alpha-7 deficiency; Muscular dystrophy, congenital, due to ITGA7 deficiency. Identifiers: Orphanet 34520, MedGen C2750786, MONDO:0013177, OMIM 613204.

Allele frequency attached by ClinVar (database versions not stated): gnomAD exomes below 0.00001.
gnomAD v4.1: 1 of 1,613,640 alleles (0.000062%); highest among the groups gnomAD compares: Non-Finnish European, 0.000085%; no homozygotes.

Submission:

Labcorp Genetics (formerly Invitae), Labcorp
Classification: Pathogenic for Congenital muscular dystrophy due to integrin alpha-7 deficiency. Last evaluated: 2022-07-11. Review status: criteria provided, single submitter. Criteria: Invitae Variant Classification Sherloc (09022015). Collection method: clinical testing. Allele origin: germline.
Comment: For these reasons, this variant has been classified as Pathogenic. ClinVar contains an entry for this variant (Variation ID: 1456806). This variant has not been reported in the literature in individuals affected with ITGA7-related conditions. This variant is present in population databases (no rsID available, gnomAD 0.0009%). This sequence change creates a premature translational stop signal (p.Gln63*) in the ITGA7 gene. It is expected to result in an absent or disrupted protein product. Loss-of-function variants in ITGA7 are known to be pathogenic (PMID: 9590299).

Literature cited by the submitters: PubMed 9590299.

NM_002206.3(ITGA7):c.187C>T (p.Gln63Ter)

Gene: ITGA7 (integrin subunit alpha 7; minus strand). Cytogenetic location: 12q13.2.
Variant type: single nucleotide variant.
Coding change: c.187C>T on transcript NM_002206.3 (MANE Select); coding-DNA position 187, C replaced by T.
Protein change: p.Gln63Ter; replaces glutamine 63 with a stop codon.
Molecular consequence: nonsense. On other transcripts: 5 prime UTR variant (1), intron variant (3).
Genome position (GRCh38, 1-based): chr12:55,707,496, G>A on the plus strand (C>T on the coding strand, the complement: ITGA7 is on the minus strand). VCF-style: chr12-55707496-G-A. GRCh37 (hg19) VCF-style: chr12-56101280-G-A.
Other names: c.187C>T, p.Gln63Ter (NM_001144996.2, NM_001374465.1, NM_001410977.1 and 6 more transcripts); c.-986C>T (NM_001367994.1); c.85+4567C>T (NM_001144997.2); c.-133-4318C>T (NM_001367993.1, NM_001414035.1); short protein forms Q63*.
Identifiers: ClinVar variation 1456806 (VCV001456806.6), dbSNP rs1228677393, ClinGen allele CA385194052.
Genomic context (GRCh38, chr12:55,707,496, plus strand): 5'-TGGCTCGGGCATGGCGACTCTGGGCGGGTGCGGTGACTCACCAGCTCTGGGGTCGGGGCT[G>A]CAACTGCCGGTGCAGGGCCACAGAGAAGCCGAAGAGGCTGCCTGGCTCGCCCTCCTTGCG-3'